The following is an entry in ClinVar:

NM_018062.4(FANCL):c.46C>A (p.Leu16Met)

Gene: FANCL (FA complementation group L; minus strand). Cytogenetic location: 2p16.1.
Variant type: single nucleotide variant.
Coding change: c.46C>A on transcript NM_018062.4 (MANE Select); coding-DNA position 46, C replaced by A.
Protein change: p.Leu16Met; replaces leucine 16 with methionine.
Molecular consequence: missense variant.
Genome position (GRCh38, 1-based): chr2:58,241,268, G>T on the plus strand (C>A on the coding strand, the complement: FANCL is on the minus strand). VCF-style: chr2-58241268-G-T. GRCh37 (hg19) VCF-style: chr2-58468403-G-T.
Other names: c.46C>A, p.Leu16Met (NM_001114636.2, NM_001374615.1, NM_001410792.1); short protein forms L16M.
Identifiers: ClinVar variation 2149070 (VCV002149070.2), dbSNP rs1388668974, ClinGen allele CA347035144.
Genomic context (GRCh38, chr2:58,241,268, plus strand): 5'-GGGCGGGTACCTGAGCCGAGATGAATCCCTCATACACGGTTTTCGACCGGTTCTGGGGCA[G>T]AAGCAGGGGGCACTGGCGCAACAGGCTCGCTTCCGTCACCGCCATGGCTCGAAGTCCGGA-3'
Protein context (NP_060532.2, residues 6-26): ASLLRQCPLL[Leu16Met]PQNRSKTVYE

ClinVar aggregate classification (germline): Uncertain significance. Review status: criteria provided, multiple submitters, no conflicts (2 of 4 stars). 2 submissions from 2 submitters: Uncertain significance (2). Last evaluated 2024-09-02.

Conditions:
Fanconi anemia (FA). Also called: Fanconi's anemia. Identifiers: Orphanet 84, MedGen C0015625, MeSH D005199, MONDO:0019391.
Inborn genetic diseases. Identifiers: MedGen C0950123, MeSH D030342.

Allele frequency attached by ClinVar (database versions not stated): gnomAD exomes below 0.00001; gnomAD 0.00001.
gnomAD v4.1: 3 of 1,614,150 alleles (0.00019%); highest among the groups gnomAD compares: African/African-American, 0.0013%; no homozygotes.

Submissions (2):

Ambry Genetics
Classification: Uncertain significance for Inborn genetic diseases. Last evaluated: 2024-09-02. Review status: criteria provided, single submitter. Criteria: Ambry Variant Classification Scheme 2023. Collection method: clinical testing. Allele origin: germline.

Labcorp Genetics (formerly Invitae), Labcorp
Classification: Uncertain significance for Fanconi anemia. Last evaluated: 2022-06-17. Review status: criteria provided, single submitter. Criteria: Invitae Variant Classification Sherloc (09022015). Collection method: clinical testing. Allele origin: germline.
Comment: This sequence change replaces leucine, which is neutral and non-polar, with methionine, which is neutral and non-polar, at codon 16 of the FANCL protein (p.Leu16Met). This variant is not present in population databases (gnomAD no frequency). This variant has not been reported in the literature in individuals affected with FANCL-related conditions. Algorithms developed to predict the effect of missense changes on protein structure and function are either unavailable or do not agree on the potential impact of this missense change (SIFT: "Tolerated"; PolyPhen-2: "Probably Damaging"; Align-GVGD: "Class C0"). In summary, the available evidence is currently insufficient to determine the role of this variant in disease. Therefore, it has been classified as a Variant of Uncertain Significance.